The following is an entry in ClinVar:

NM_021096.4(CACNA1I):c.3344G>A (p.Arg1115His)

Gene: CACNA1I (calcium voltage-gated channel subunit alpha1 I; plus strand). Cytogenetic location: 22q13.1.
Variant type: single nucleotide variant.
Coding change: c.3344G>A on transcript NM_021096.4 (MANE Select); coding-DNA position 3344, G replaced by A.
Protein change: p.Arg1115His; replaces arginine 1115 with histidine.
Molecular consequence: missense variant.
Genome position (GRCh38, 1-based): chr22:39,662,407, G>A. VCF-style: chr22-39662407-G-A. GRCh37 (hg19) VCF-style: chr22-40058412-G-A.
Other names: c.3239G>A, p.Arg1080His (NM_001003406.2); short protein forms R1115H, R1080H.
Identifiers: ClinVar variation 3136428 (VCV003136428.2), dbSNP rs758189989, ClinGen allele CA324469208.

ClinVar aggregate classification (germline): Conflicting classifications of pathogenicity. Review status: criteria provided, conflicting classifications (1 of 4 stars). 2 submissions from 2 submitters: Uncertain significance (1); Likely benign (1). Last evaluated 2024-10-19.

Conditions:
CACNA1I-related disorder. Also called: CACNA1I-related condition.

Allele frequency attached by ClinVar (database versions not stated): TOPMed 0.00017; gnomAD exomes 0.00023; gnomAD 0.00014.
gnomAD v4.1: 318 of 1,462,040 alleles (0.022%); highest among the groups gnomAD compares: Non-Finnish European, 0.027%; no homozygotes.

Submissions (2):

PreventionGenetics, part of Exact Sciences
Classification: Likely benign for CACNA1I-related condition. Last evaluated: 2024-10-19. Review status: criteria provided, single submitter. Criteria: ACMG Guidelines, 2015. Collection method: clinical testing. Allele origin: germline.
Comment: This variant is classified as likely benign based on ACMG/AMP sequence variant interpretation guidelines (Richards et al. 2015 PMID: 25741868, with internal and published modifications).

Ambry Genetics
Classification: Uncertain significance. Last evaluated: 2023-12-17. Review status: criteria provided, single submitter. Criteria: Ambry Variant Classification Scheme 2023. Collection method: clinical testing. Allele origin: germline.